The following is an entry in ClinVar:

NM_002887.4(RARS1):c.1036G>A (p.Val346Ile)

Gene: RARS1 (arginyl-tRNA synthetase 1; plus strand). Cytogenetic location: 5q34.
Variant type: single nucleotide variant.
Coding change: c.1036G>A on transcript NM_002887.4 (MANE Select); coding-DNA position 1036, G replaced by A.
Protein change: p.Val346Ile; replaces valine 346 with isoleucine.
Molecular consequence: missense variant.
Genome position (GRCh38, 1-based): chr5:168,502,084, G>A. VCF-style: chr5-168502084-G-A. GRCh37 (hg19) VCF-style: chr5-167929089-G-A.
Other names: short protein forms V346I.
Identifiers: ClinVar variation 4071659 (VCV004071659.2).

ClinVar aggregate classification (germline): Uncertain significance. Review status: criteria provided, multiple submitters, no conflicts (2 of 4 stars). 2 submissions from 2 submitters: Uncertain significance (2). Last evaluated 2025-07-01.

Conditions:
Inborn genetic diseases. Identifiers: MedGen C0950123, MeSH D030342.

gnomAD v4.1: 4 of 1,602,620 alleles (0.00025%); highest among the groups gnomAD compares: Admixed American, 0.0034%; no homozygotes.

Submissions (2):

Ambry Genetics
Classification: Uncertain significance for Inborn genetic diseases. Last evaluated: 2025-07-01. Review status: criteria provided, single submitter. Criteria: Ambry Variant Classification Scheme 2023. Collection method: clinical testing. Allele origin: germline.

GeneDx
Classification: Uncertain significance. Last evaluated: 2025-01-23. Review status: criteria provided, single submitter. Criteria: GeneDx Variant Classification Process June 2021. Collection method: clinical testing. Allele origin: germline. Affected: yes.
Comment: Not observed at significant frequency in large population cohorts (gnomAD); In silico analysis indicates that this missense variant does not alter protein structure/function; Has not been previously published as pathogenic or benign to our knowledge